The following is an entry in ClinVar:

ClinVar aggregate classification (germline): Uncertain significance (1 of 4 stars; one submission).

Submission:

Labcorp Genetics (formerly Invitae), Labcorp
Classification: Uncertain significance. Last evaluated: 2025-02-24. Review status: criteria provided, single submitter. Criteria: Invitae Variant Classification Sherloc (09022015). Collection method: clinical testing. Allele origin: germline.
Comment: This sequence change falls in intron 10 of the ACAN gene. It does not directly change the encoded amino acid sequence of the ACAN protein. It affects a nucleotide within the consensus splice site. This variant is not present in population databases (gnomAD no frequency). This variant has not been reported in the literature in individuals affected with ACAN-related conditions. Variants that disrupt the consensus splice site are a relatively common cause of aberrant splicing (PMID: 17576681, 9536098). Algorithms developed to predict the effect of sequence changes on RNA splicing suggest that this variant is not likely to affect RNA splicing. In summary, the available evidence is currently insufficient to determine the role of this variant in disease. Therefore, it has been classified as a Variant of Uncertain Significance.

Literature cited by the submitters: PubMed 17576681; PubMed 9536098.

NM_001369268.1(ACAN):c.2026+4T>C

Gene: ACAN (aggrecan; plus strand). Cytogenetic location: 15q26.1.
Variant type: single nucleotide variant.
Coding change: c.2026+4T>C on transcript NM_001369268.1 (MANE Select); 4 bases into the intron after coding-DNA position 2026, T replaced by C.
Molecular consequence: intron variant.
Genome position (GRCh38, 1-based): chr15:88,849,735, T>C. VCF-style: chr15-88849735-T-C. GRCh37 (hg19) VCF-style: chr15-89392966-T-C.
Other names: c.2026+4T>C (NM_013227.4, NM_001411097.1, NM_001411096.1 and 1 more transcripts).
Identifiers: ClinVar variation 3686492 (VCV003686492.2).
Genomic context (GRCh38, chr15:88,849,735, plus strand): 5'-CTAACCAGACGGGCCTCCCAGACCCACTGTCCCGGCACCATGCCTTCTGCTTCCGAGGTA[T>C]GCAGCCTCACTTCGGCTCCAACAGCCCCTTTTGTCTGGAGAGGACCCCACTGGGTTCACC-3'